The following is an entry in ClinVar:

ClinVar aggregate classification (germline): Uncertain significance. Review status: criteria provided, single submitter (1 of 4 stars). 3 submissions from 3 submitters: Uncertain significance (1). 2 of the submissions do not count toward it. Last evaluated 2023-06-26.

Conditions:
Hearing loss, autosomal recessive. Also called: Nonsyndromic Hearing Loss, Recessive; Deafness, autosomal recessive; Rare autosomal recessive non-syndromic sensorineural deafness type DFNB; Autosomal recessive nonsyndromic deafness. Identifiers: Orphanet 90635, Orphanet 90636, MedGen C1846647, MONDO:0019588, OMIM 607197.
Deafness. Identifiers: MedGen C0011053.

Allele frequency attached by ClinVar (database versions not stated): gnomAD below 0.00001 and 0.00001; ExAC 0.00001; gnomAD exomes 0.00001.
gnomAD v4.1: 3 of 1,613,742 alleles (0.00019%); highest among the groups gnomAD compares: South Asian, 0.0033%; no homozygotes.

Submissions (3):

Women's Health and Genetics/Laboratory Corporation of America, LabCorp
Classification: Uncertain significance. Last evaluated: 2023-06-26. Review status: criteria provided, single submitter. Criteria: LabCorp Variant Classification Summary - May 2015. Collection method: clinical testing. Allele origin: germline.
Comment: Variant summary: CDH23 c.6202A>C (p.Thr2068Pro) results in a non-conservative amino acid change in the encoded protein sequence. Three of five in-silico tools predict a benign effect of the variant on protein function. The variant allele was found at a frequency of 8e-06 in 248938 control chromosomes. The available data on variant occurrences in the general population are insufficient to allow any conclusion about variant significance. c.6202A>C has been reported in the literature in at least one family affected with hearing loss without strong evidence for causality (e.g., Richard_2019). To our knowledge, no experimental evidence demonstrating an impact on protein function has been reported. The following publication has been ascertained in the context of this evaluation (PMID: 30303587). One submitter has cited clinical-significance assessments for this variant to ClinVar after 2014 and has classified the variant as pathogenic. Based on the evidence outlined above, the variant was classified as uncertain significance.

Center for Statistical Genetics, Columbia University
Classification: Pathogenic for Deafness. Last evaluated: 2018-09-10. Review status: no assertion criteria provided. Collection method: research. Allele origin: inherited. Affected: yes. Not counted in ClinVar's aggregate classification.
Comment: Autosomal recessive

University of Washington Center for Mendelian Genomics, University of Washington
Classification: Likely pathogenic for non-syndromic autosomal recessive hearing loss. Review status: no assertion criteria provided. Collection method: research. Allele origin: inherited. Affected: yes. Not counted in ClinVar's aggregate classification.

Literature cited by the submitters: PubMed 30303587 (cited by Women's Health and Genetics/Laboratory Corporation of America, LabCorp and University of Washington Center for Mendelian Genomics, University of Washington).

NM_022124.6(CDH23):c.6202A>C (p.Thr2068Pro)

Gene: CDH23 (cadherin related 23; plus strand). Cytogenetic location: 10q22.1.
Variant type: single nucleotide variant.
Coding change: c.6202A>C on transcript NM_022124.6 (MANE Select); coding-DNA position 6202, A replaced by C.
Protein change: p.Thr2068Pro; replaces threonine 2068 with proline.
Molecular consequence: missense variant.
Genome position (GRCh38, 1-based): chr10:71,791,284, A>C. VCF-style: chr10-71791284-A-C. GRCh37 (hg19) VCF-style: chr10-73551041-A-C.
Other names: short protein forms T2068P.
Identifiers: ClinVar variation 560886 (VCV000560886.3), dbSNP rs762118583, ClinGen allele CA5546021.